The following is an entry in ClinVar:

NM_007198.4(PLPBP):c.64G>A (p.Glu22Lys)

Genes: PLPBP (pyridoxal phosphate binding protein; plus strand), LOC113788277 (Sharpr-MPRA regulatory region 13802; plus strand). Cytogenetic location: 8p11.23.
Variant type: single nucleotide variant.
Coding change: c.64G>A on transcript NM_007198.4 (MANE Select); coding-DNA position 64, G replaced by A.
Protein change: p.Glu22Lys; replaces glutamic acid 22 with lysine.
Molecular consequence: missense variant. On other transcripts: intron variant (1).
Genome position (GRCh38, 1-based): chr8:37,762,723, G>A. VCF-style: chr8-37762723-G-A. GRCh37 (hg19) VCF-style: chr8-37620241-G-A.
Other names: c.64G>A, p.Glu22Lys (NM_001349346.2, NM_001349347.2); c.169G>A, p.Glu57Lys (NM_001349349.1); c.-58+23G>A (NM_001349348.2); c.64G>A (NM_007198.3); short protein forms E22K, E57K.
Identifiers: ClinVar variation 3730251 (VCV003730251.2).

ClinVar aggregate classification (germline): Uncertain significance. Review status: criteria provided, multiple submitters, no conflicts (2 of 4 stars). 2 submissions from 2 submitters: Uncertain significance (2). Last evaluated 2025-08-10.

Conditions:
Inborn genetic diseases. Identifiers: MedGen C0950123, MeSH D030342.

gnomAD v4.1: 47 of 1,587,348 alleles (0.003%); highest among the groups gnomAD compares: Non-Finnish European, 0.0039%; no homozygotes.

Submissions (2):

Ambry Genetics
Classification: Uncertain significance for Inborn genetic diseases. Last evaluated: 2025-08-10. Review status: criteria provided, single submitter. Criteria: Ambry Variant Classification Scheme 2023. Collection method: clinical testing. Allele origin: germline.

Labcorp Genetics (formerly Invitae), Labcorp
Classification: Uncertain significance. Last evaluated: 2024-04-17. Review status: criteria provided, single submitter. Criteria: Invitae Variant Classification Sherloc (09022015). Collection method: clinical testing. Allele origin: germline.
Comment: This sequence change replaces glutamic acid, which is acidic and polar, with lysine, which is basic and polar, at codon 22 of the PROSC protein (p.Glu22Lys). The frequency data for this variant in the population databases is considered unreliable, as metrics indicate poor data quality at this position in the gnomAD database. This variant has not been reported in the literature in individuals affected with PROSC-related conditions. Advanced modeling of protein sequence and biophysical properties (such as structural, functional, and spatial information, amino acid conservation, physicochemical variation, residue mobility, and thermodynamic stability) performed at Invitae indicates that this missense variant is not expected to disrupt PROSC protein function with a negative predictive value of 80%. In summary, the available evidence is currently insufficient to determine the role of this variant in disease. Therefore, it has been classified as a Variant of Uncertain Significance.